The following is an entry in ClinVar:

ClinVar aggregate classification (germline): Conflicting classifications of pathogenicity. Review status: criteria provided, conflicting classifications (1 of 4 stars). 4 submissions from 4 submitters: Uncertain significance (1); Likely benign (2). 1 of the submissions does not count toward it. Last evaluated 2025-06-07.

Conditions:
SYNE2-related disorder. Also called: SYNE2-related condition.
Emery-Dreifuss muscular dystrophy 5, autosomal dominant (EDMD5). Also called: EMERY-DREIFUSS MUSCULAR DYSTROPHY 5. Identifiers: Orphanet 261, MedGen C2751805, MONDO:0013072, OMIM 612999.

Allele frequency attached by ClinVar (database versions not stated): gnomAD exomes 0.00002 and 0.00004; TOPMed 0.00002; gnomAD 0.00005; ExAC 0.00007.
gnomAD v4.1: 41 of 1,613,912 alleles (0.0025%); highest among the groups gnomAD compares: South Asian, 0.0077%; no homozygotes.

Submissions (4):

Labcorp Genetics (formerly Invitae), Labcorp
Classification: Likely benign for Emery-Dreifuss muscular dystrophy 5, autosomal dominant. Last evaluated: 2025-06-07. Review status: criteria provided, single submitter. Criteria: Invitae Variant Classification Sherloc (09022015). Collection method: clinical testing. Allele origin: germline.

Illumina Laboratory Services, Illumina
Classification: Likely benign for Emery-Dreifuss muscular dystrophy 5, autosomal dominant. Last evaluated: 2018-01-13. Review status: criteria provided, single submitter. Criteria: ICSL Variant Classification Criteria 13 December 2019. Collection method: clinical testing. Allele origin: germline.
Comment: This variant was observed in the ICSL laboratory as part of a predisposition screen in an ostensibly healthy population. It had not been previously curated by ICSL or reported in the Human Gene Mutation Database (HGMD: prior to June 1st, 2018), and was therefore a candidate for classification through an automated scoring system. Utilizing variant allele frequency, disease prevalence and penetrance estimates, and inheritance mode, an automated score was calculated to assess if this variant is too frequent to cause the disease. Based on the score and internal cut-off values, a variant classified as likely benign is not then subjected to further curation. The score for this variant resulted in a classification of likely benign for this disease.

Eurofins Ntd Llc (ga)
Classification: Uncertain significance. Last evaluated: 2015-10-06. Review status: criteria provided, single submitter. Criteria: EGL Classification Definitions 2015. Collection method: clinical testing. Allele origin: germline. Observed: 1 variant allele, 1 heterozygote.

PreventionGenetics, part of Exact Sciences
Classification: Likely benign for SYNE2-related condition. Last evaluated: 2019-05-22. Review status: no assertion criteria provided. Collection method: clinical testing. Allele origin: germline. Not counted in ClinVar's aggregate classification.
Comment: This variant is classified as likely benign based on ACMG/AMP sequence variant interpretation guidelines (Richards et al. 2015 PMID: 25741868, with internal and published modifications).

NM_182914.3(SYNE2):c.3885C>T (p.His1295=)

Gene: SYNE2 (spectrin repeat containing nuclear envelope protein 2; plus strand). Cytogenetic location: 14q23.2.
Variant type: single nucleotide variant.
Coding change: c.3885C>T on transcript NM_182914.3 (MANE Select); coding-DNA position 3885, C replaced by T.
Protein change: p.His1295=; no amino-acid change (histidine 1295 retained).
Molecular consequence: synonymous variant.
Genome position (GRCh38, 1-based): chr14:64,002,818, C>T. VCF-style: chr14-64002818-C-T. GRCh37 (hg19) VCF-style: chr14-64469536-C-T.
Other names: c.3885C>T, p.His1295= (NM_015180.6).
Identifiers: ClinVar variation 283957 (VCV000283957.15), dbSNP rs570341792, ClinGen allele CA7220096.